The following is an entry in ClinVar:

NM_024642.5(GALNT12):c.1193G>A (p.Arg398His)

Gene: GALNT12 (polypeptide N-acetylgalactosaminyltransferase 12; plus strand). Cytogenetic location: 9q22.33.
Variant type: single nucleotide variant.
Coding change: c.1193G>A on transcript NM_024642.5 (MANE Select); coding-DNA position 1193, G replaced by A.
Protein change: p.Arg398His; replaces arginine 398 with histidine.
Molecular consequence: missense variant.
Genome position (GRCh38, 1-based): chr9:98,837,129, G>A. VCF-style: chr9-98837129-G-A. GRCh37 (hg19) VCF-style: chr9-101599411-G-A.
Other names: short protein forms R398H.
Identifiers: ClinVar variation 485685 (VCV000485685.14), dbSNP rs769674764, ClinGen allele CA5154182.

ClinVar aggregate classification (germline): Uncertain significance. Review status: criteria provided, multiple submitters, no conflicts (2 of 4 stars). 2 submissions from 2 submitters: Uncertain significance (2). Last evaluated 2025-08-11.

Allele frequency attached by ClinVar (database versions not stated): gnomAD 0.00001; ExAC 0.00002.
gnomAD v4.1: 8 of 1,613,984 alleles (0.0005%); highest among the groups gnomAD compares: South Asian, 0.0033%; no homozygotes.

Submissions (2):

Ambry Genetics
Classification: Uncertain significance. Last evaluated: 2025-08-11. Review status: criteria provided, single submitter. Criteria: Ambry Variant Classification Scheme 2023. Collection method: clinical testing. Allele origin: germline.
Comment: The p.R398H variant (also known as c.1193G>A), located in coding exon 6 of the GALNT12 gene, results from a G to A substitution at nucleotide position 1193. The arginine at codon 398 is replaced by histidine, an amino acid with highly similar properties. This amino acid position is highly conserved in available vertebrate species. In addition, this alteration is predicted to be deleterious by in silico analysis. Since supporting evidence is limited at this time, the clinical significance of this alteration remains unclear.

Labcorp Genetics (formerly Invitae), Labcorp
Classification: Uncertain significance. Last evaluated: 2025-06-03. Review status: criteria provided, single submitter. Criteria: Invitae Variant Classification Sherloc (09022015). Collection method: clinical testing. Allele origin: germline.
Comment: This sequence change replaces arginine, which is basic and polar, with histidine, which is basic and polar, at codon 398 of the GALNT12 protein (p.Arg398His). This variant is present in population databases (rs769674764, gnomAD 0.01%). This variant has not been reported in the literature in individuals affected with GALNT12-related conditions. ClinVar contains an entry for this variant (Variation ID: 485685). Invitae Evidence Modeling of protein sequence and biophysical properties (such as structural, functional, and spatial information, amino acid conservation, physicochemical variation, residue mobility, and thermodynamic stability) indicates that this missense variant is not expected to disrupt GALNT12 protein function with a negative predictive value of 80%. In summary, the available evidence is currently insufficient to determine the role of this variant in disease. Therefore, it has been classified as a Variant of Uncertain Significance.